The following is an entry in ClinVar:

NM_001025295.3(IFITM5):c.287C>T (p.Pro96Leu)

Gene: IFITM5 (interferon induced transmembrane protein 5; minus strand). Cytogenetic location: 11p15.5.
Variant type: single nucleotide variant.
Coding change: c.287C>T on transcript NM_001025295.3 (MANE Select); coding-DNA position 287, C replaced by T.
Protein change: p.Pro96Leu; replaces proline 96 with leucine.
Molecular consequence: missense variant.
Genome position (GRCh38, 1-based): chr11:298,613, G>A on the plus strand (C>T on the coding strand, the complement: IFITM5 is on the minus strand). VCF-style: chr11-298613-G-A. GRCh37 (hg19) VCF-style: chr11-298613-G-A.
Other names: c.287C>T (NM_001025295.1); short protein forms P96L.
Identifiers: ClinVar variation 2192954 (VCV002192954.5), dbSNP rs371737593, ClinGen allele CA5773395.
Genomic context (GRCh38, chr11:298,613, plus strand): 5'-TTGGCCAGCCGGGCCAGGTGCAGGGCACCAGTCACCACCAGCCCCAGGAGCAGCAGTGGC[G>A]GCACCAGCGTCCACATCGCGGCCAGGATGTTGTAGCACTTGGCTTTGGAGCCAAAACGCC-3'
Protein context (NP_001020466.1, residues 86-106): NILAAMWTLV[Pro96Leu]PLLLLGLVVT

ClinVar aggregate classification (germline): Uncertain significance. Review status: criteria provided, multiple submitters, no conflicts (2 of 4 stars). 2 submissions from 2 submitters: Uncertain significance (2). Last evaluated 2023-07-12.

Conditions:
Inborn genetic diseases. Identifiers: MedGen C0950123, MeSH D030342.

Allele frequency attached by ClinVar (database versions not stated): gnomAD 0.00003; ExAC 0.00004; TOPMed 0.00004; ESP Exome Variant Server 0.00008; gnomAD exomes 0.00012.

Submissions (2):

Labcorp Genetics (formerly Invitae), Labcorp
Classification: Uncertain significance. Last evaluated: 2023-07-12. Review status: criteria provided, single submitter. Criteria: Invitae Variant Classification Sherloc (09022015). Collection method: clinical testing. Allele origin: germline.
Comment: In summary, the available evidence is currently insufficient to determine the role of this variant in disease. Therefore, it has been classified as a Variant of Uncertain Significance. Algorithms developed to predict the effect of missense changes on protein structure and function output the following: SIFT: "Not Available"; PolyPhen-2: "Benign"; Align-GVGD: "Not Available". The leucine amino acid residue is found in multiple mammalian species, which suggests that this missense change does not adversely affect protein function. ClinVar contains an entry for this variant (Variation ID: 2192954). This variant has not been reported in the literature in individuals affected with IFITM5-related conditions. This variant is present in population databases (rs371737593, gnomAD 0.01%). This sequence change replaces proline, which is neutral and non-polar, with leucine, which is neutral and non-polar, at codon 96 of the IFITM5 protein (p.Pro96Leu).

Ambry Genetics
Classification: Uncertain significance for Inborn genetic diseases. Last evaluated: 2022-12-19. Review status: criteria provided, single submitter. Criteria: Ambry Variant Classification Scheme 2023. Collection method: clinical testing. Allele origin: germline.